The following is an entry in ClinVar:

ClinVar aggregate classification (germline): Likely pathogenic (1 of 4 stars; one submission).

Conditions:
Autosomal recessive Alport syndrome (ATS2). Also called: ALPORT SYNDROME 2, AUTOSOMAL RECESSIVE; Alport syndrome type 2; COL4A4 Alport Syndrome and Thin Basement Membrane Nephropathy; COL4A3-Related Nephropathy. Identifiers: Orphanet 63, Orphanet 88919, MedGen C4746745, MONDO:0008762, OMIM 203780.

Submission:

Myriad Genetics, Inc.
Classification: Likely pathogenic for Autosomal recessive Alport syndrome. Last evaluated: 2019-03-31. Review status: criteria provided, single submitter. Criteria: Myriad Women's Health Autosomal Recessive and X-Linked Classification Criteria (2019). Collection method: clinical testing. Allele origin: unknown.
Comment: NM_000092.4(COL4A4):c.3259A>T(K1087*) is expected to be pathogenic in the context of COL4A4-related Alport syndrome. This variant is predicted to lead to an abnormal or absent protein product due to the creation of a premature termination codon in COL4A4, a gene where loss-of-function variants are known to be pathogenic. Please note: this variant was assessed in the context of healthy population screening.

NM_000092.5(COL4A4):c.3259A>T (p.Lys1087Ter)

Gene: COL4A4 (collagen type IV alpha 4 chain; minus strand). Cytogenetic location: 2q36.3.
Variant type: single nucleotide variant.
Coding change: c.3259A>T on transcript NM_000092.5 (MANE Select); coding-DNA position 3259, A replaced by T.
Protein change: p.Lys1087Ter; replaces lysine 1087 with a stop codon.
Molecular consequence: nonsense.
Genome position (GRCh38, 1-based): chr2:227,047,505, T>A on the plus strand (A>T on the coding strand, the complement: COL4A4 is on the minus strand). VCF-style: chr2-227047505-T-A. GRCh37 (hg19) VCF-style: chr2-227912221-T-A.
Other names: short protein forms K1087*.
Identifiers: ClinVar variation 984046 (VCV000984046.3), dbSNP rs1973132502, ClinGen allele CA350838679.
Genomic context (GRCh38, chr2:227,047,505, plus strand): 5'-TGTTTTAGTAAGAAAAATATGCAGCTATACCTGGACATCCAGGGCTACCTGGCTCACCCT[T>A]TGGACCAGGTGGACCAAAGTGACTGGCAGGGTCACCTTTGTTTCCTGAAAGGGATAAAAT-3'